The following is an entry in ClinVar:

NM_000156.6(GAMT):c.396C>A (p.Ile132=)

Gene: GAMT (guanidinoacetate N-methyltransferase; minus strand). Cytogenetic location: 19p13.3.
Variant type: single nucleotide variant.
Coding change: c.396C>A on transcript NM_000156.6 (MANE Select); coding-DNA position 396, C replaced by A.
Protein change: p.Ile132=; no amino-acid change (isoleucine 132 retained).
Molecular consequence: synonymous variant.
Genome position (GRCh38, 1-based): chr19:1,399,191, G>T on the plus strand (C>A on the coding strand, the complement: GAMT is on the minus strand). VCF-style: chr19-1399191-G-T. GRCh37 (hg19) VCF-style: chr19-1399190-G-T.
Other names: NM_000156.6(GAMT):c.396C>A; p.Ile132=; c.396C>A, p.Ile132= (NM_138924.3).
Identifiers: ClinVar variation 328348 (VCV000328348.53), dbSNP rs200500835, ClinGen allele CA9043674.

ClinVar aggregate classification (germline): Likely benign. Review status: reviewed by expert panel (3 of 4 stars). 7 submissions from 7 submitters: Likely benign (1). 6 of the submissions do not count toward it. Last evaluated 2025-03-18.

Conditions:
Cerebral creatine deficiency syndrome. Also called: Creatine deficiency syndromes. Identifiers: Orphanet 79172, MedGen C5244016, MONDO:0000456.
Deficiency of guanidinoacetate methyltransferase (CCDS2). Also called: Guanidinoacetate Methyltransferase (GAMT) Deficiency; GAMT DEFICIENCY; CEREBRAL CREATINE DEFICIENCY SYNDROME 2. Identifiers: Orphanet 382, MedGen C0574080, MONDO:0012999, OMIM 612736.

Allele frequency attached by ClinVar (database versions not stated): gnomAD 0.00005 and 0.00007; TOPMed 0.00006; ExAC 0.00008; gnomAD exomes 0.00012.
gnomAD v4.1: 127 of 1,613,468 alleles (0.0079%); highest among the groups gnomAD compares: Middle Eastern, 0.066%; 1 homozygote.

Submissions (7):

ClinGen Cerebral Creatine Deficiency Syndromes Variant Curation Expert Panel, ClinGen
Classification: Likely benign for Deficiency of guanidinoacetate methyltransferase. Last evaluated: 2025-03-18. Review status: reviewed by expert panel. Criteria: ClinGen CCDS ACMG Specifications GAMT V2.0.0. Collection method: curation. Allele origin: germline. Inheritance: Autosomal recessive inheritance.
Comment: The NM_000156.6:c.396C>A variant in GAMT is a synonymous (silent) variant (p.Ile132=) with no predicted impact on splicing based on the computational predictor, SpliceAI (BP4, BP7). To our knowledge, this variant has not been reported in the literature and results of functional studies are unavailable. The highest population minor allele frequency in gnomAD v4.1.0. is 0.0006575 (24/10058 alleles; one homozygote) in the Middle Eastern population, which is higher than the PM2_supporting threshold (<0.0004) and lower than the BS1 threshold (>0.001) set by the ClinGen CCDS VCEP (no population codes are met). While the allele frequency in the Ashkenazi Jewish population is higher, at 0.00304 (90/29608), this allele frequency data is not counted because the Ashkenazi Jewish population is not a continental population (see Ghosh et al, 2018, PMID: 30311383). There is a ClinVar entry for this variant (Variation ID: 328348). In summary, this variant meets the criteria to be classified as likely benign for GAMT deficiency based on the GAMT-specific ACMG/AMP criteria applied, as specified by the ClinGen Cerebral Creatine Deficiency Syndromes Variant Curation Expert Panel (Specifications Version 2.0.0): BP4, BP7. (Classification approved by the ClinGen Cerebral Creatine Deficiencies Variant Curation Expert Panel on March 18, 2025)

Labcorp Genetics (formerly Invitae), Labcorp
Classification: Likely benign for Cerebral creatine deficiency syndrome. Last evaluated: 2026-02-03. Review status: criteria provided, single submitter. Criteria: Invitae Variant Classification Sherloc (09022015). Collection method: clinical testing. Allele origin: germline. Not counted in ClinVar's aggregate classification.

Mayo Clinic Laboratories, Mayo Clinic
Classification: Likely benign. Last evaluated: 2025-11-27. Review status: criteria provided, single submitter. Criteria: ACMG Guidelines, 2015. Collection method: clinical testing. Allele origin: germline. Observed: 1 variant allele. Not counted in ClinVar's aggregate classification.
Comment: BP4, BP7

CeGaT Center for Human Genetics Tuebingen
Classification: Likely benign. Last evaluated: 2021-02-01. Review status: criteria provided, single submitter. Criteria: CeGaT Center For Human Genetics Tuebingen Variant Classification Criteria Version 2. Collection method: clinical testing. Allele origin: germline. Affected: yes. Observed: 1 variant allele. Not counted in ClinVar's aggregate classification.

GeneDx
Classification: Likely benign. Last evaluated: 2020-09-17. Review status: criteria provided, single submitter. Criteria: GeneDx Variant Classification Process June 2021. Collection method: clinical testing. Allele origin: germline. Affected: yes. Not counted in ClinVar's aggregate classification.

Illumina Laboratory Services, Illumina
Classification: Uncertain significance for Deficiency of guanidinoacetate methyltransferase. Last evaluated: 2018-01-12. Review status: criteria provided, single submitter. Criteria: ICSL Variant Classification Criteria 13 December 2019. Collection method: clinical testing. Allele origin: germline. Not counted in ClinVar's aggregate classification.

Natera, Inc.
Classification: Likely benign for Guanidinoacetate methyltransferase deficiency. Last evaluated: 2020-06-18. Review status: no assertion criteria provided. Collection method: clinical testing. Allele origin: germline. Not counted in ClinVar's aggregate classification.